The following is an entry in ClinVar:

ClinVar aggregate classification (germline): Benign (1 of 4 stars; one submission).

Conditions:
Isolated focal non-epidermolytic palmoplantar keratoderma. Also called: Palmoplantar keratoderma, nonepidermolytic, focal 2. Identifiers: Orphanet 448264, MedGen C4225339, MONDO:0014622, OMIM 616400.

Allele frequency attached by ClinVar (database versions not stated): gnomAD 0.00138 and 0.00148; 1000 Genomes Project 30x 0.00203; TOPMed 0.00132; 1000 Genomes Project 0.00180.

Submission:

Illumina Laboratory Services, Illumina
Classification: Benign for Isolated focal non-epidermolytic palmoplantar keratoderma. Last evaluated: 2018-01-13. Review status: criteria provided, single submitter. Criteria: ICSL Variant Classification Criteria 13 December 2019. Collection method: clinical testing. Allele origin: germline.
Comment: This variant was observed in the ICSL laboratory as part of a predisposition screen in an ostensibly healthy population. It had not been previously curated by ICSL or reported in the Human Gene Mutation Database (HGMD: prior to June 1st, 2018), and was therefore a candidate for classification through an automated scoring system. Utilizing variant allele frequency, disease prevalence and penetrance estimates, and inheritance mode, an automated score was calculated to assess if this variant is too frequent to cause the disease. Based on the score and internal cut-off values, a variant classified as benign is not then subjected to further curation. The score for this variant resulted in a classification of benign for this disease.

NM_145068.4(TRPV3):c.*3255G>A

Genes: SPATA22 (spermatogenesis associated 22; minus strand), TRPV3 (transient receptor potential cation channel subfamily V member 3; minus strand). Cytogenetic location: 17p13.2.
Variant type: single nucleotide variant.
Coding change: c.*3255G>A on transcript NM_145068.4 (MANE Select); 3255 bases downstream of the stop codon, G replaced by A.
Molecular consequence: 3 prime UTR variant. On other transcripts: intron variant (2).
Genome position (GRCh38, 1-based): chr17:3,510,662, C>T on the plus strand (G>A on the coding strand, the complement: TRPV3 is on the minus strand). VCF-style: chr17-3510662-C-T. GRCh37 (hg19) VCF-style: chr17-3413956-C-T.
Other names: c.*3255G>A (NM_001258205.2); c.-74+2750G>A (NM_001321336.2, NM_001321337.2).
Identifiers: ClinVar variation 322676 (VCV000322676.7), dbSNP rs117019701, ClinGen allele CA10645323.